The following is an entry in ClinVar:

NM_000260.4(MYO7A):c.1106G>T (p.Cys369Phe)

Gene: MYO7A (myosin VIIA; plus strand). Cytogenetic location: 11q13.5.
Variant type: single nucleotide variant.
Coding change: c.1106G>T on transcript NM_000260.4 (MANE Select); coding-DNA position 1106, G replaced by T.
Protein change: p.Cys369Phe; replaces cysteine 369 with phenylalanine.
Molecular consequence: missense variant.
Genome position (GRCh38, 1-based): chr11:77,160,188, G>T. VCF-style: chr11-77160188-G-T. GRCh37 (hg19) VCF-style: chr11-76871234-G-T.
Other names: c.1106G>T, p.Cys369Phe (NM_001127180.2); c.1073G>T, p.Cys358Phe (NM_001369365.1); short protein forms C358F, C369F.
Identifiers: ClinVar variation 4882666 (VCV004882666.2).

ClinVar aggregate classification (germline): Uncertain significance (1 of 4 stars; one submission).

gnomAD v4.1: 1 of 1,569,118 alleles (0.000064%); highest among the groups gnomAD compares: Non-Finnish European, 0.000086%; no homozygotes.

Submission:

Dasa
Classification: Uncertain significance. Last evaluated: 2025-01-20. Review status: criteria provided, single submitter. Criteria: DASA Assertion Criteria. Collection method: clinical testing. Allele origin: germline.
Comment: NM_000260.4(MYO7A):c.1106G>T (p.Cys369Phe) is a missense variant that results in the substitution of cysteine with phenylalanine. This variant is rare in population databases. Computational prediction algorithms are consistent with a deleterious effect. The currently available literature and clinical evidence are not sufficient to establish a definitive association between this variant and the reported condition. Therefore, this variant is classified as a variant of uncertain significance.